The following is an entry in ClinVar:

ClinVar aggregate classification (germline): Uncertain significance (1 of 4 stars; one submission).

Conditions:
Congenital factor V deficiency. Also called: Hereditary factor V deficiency disease; LABILE FACTOR DEFICIENCY; OWREN PARAHEMOPHILIA; PARAHEMOPHILIA. Identifiers: Orphanet 326, MedGen C0015499, MONDO:0009210, OMIM 227400.

gnomAD v4.1: 3 of 1,614,080 alleles (0.00019%); highest among the groups gnomAD compares: Non-Finnish European, 0.00017%; no homozygotes.

Submission:

Labcorp Genetics (formerly Invitae), Labcorp
Classification: Uncertain significance for Congenital factor V deficiency. Last evaluated: 2024-02-08. Review status: criteria provided, single submitter. Criteria: Invitae Variant Classification Sherloc (09022015). Collection method: clinical testing. Allele origin: germline.
Comment: This sequence change replaces tyrosine, which is neutral and polar, with cysteine, which is neutral and slightly polar, at codon 1127 of the F5 protein (p.Tyr1127Cys). This variant is present in population databases (no rsID available, gnomAD 0.002%). This variant has not been reported in the literature in individuals affected with F5-related conditions. Advanced modeling of protein sequence and biophysical properties (such as structural, functional, and spatial information, amino acid conservation, physicochemical variation, residue mobility, and thermodynamic stability) performed at Invitae indicates that this missense variant is not expected to disrupt F5 protein function with a negative predictive value of 80%. In summary, the available evidence is currently insufficient to determine the role of this variant in disease. Therefore, it has been classified as a Variant of Uncertain Significance.

NM_000130.5(F5):c.3380A>G (p.Tyr1127Cys)

Gene: F5 (coagulation factor V; minus strand). Cytogenetic location: 1q24.2.
Variant type: single nucleotide variant.
Coding change: c.3380A>G on transcript NM_000130.5 (MANE Select); coding-DNA position 3380, A replaced by G.
Protein change: p.Tyr1127Cys; replaces tyrosine 1127 with cysteine.
Molecular consequence: missense variant.
Genome position (GRCh38, 1-based): chr1:169,541,710, T>C on the plus strand (A>G on the coding strand, the complement: F5 is on the minus strand). VCF-style: chr1-169541710-T-C. GRCh37 (hg19) VCF-style: chr1-169510948-T-C.
Other names: short protein forms Y1127C.
Identifiers: ClinVar variation 3718481 (VCV003718481.2).